The following continues an entry in ClinVar:

NM_000059.4(BRCA2):c.6944_6947del (p.Ile2315fs)

Gene: BRCA2. ClinVar aggregate classification (germline): Pathogenic. Pathogenic (1).

Submissions 12 to 18 of 18:

Women's Health and Genetics/Laboratory Corporation of America, LabCorp
Classification: Pathogenic for Hereditary breast ovarian cancer syndrome. Last evaluated: 2021-07-01. Review status: criteria provided, single submitter. Criteria: LabCorp Variant Classification Summary - May 2015. Collection method: clinical testing. Allele origin: germline. Not counted in ClinVar's aggregate classification.
Comment: Variant summary: BRCA2 c.6944_6947delTAAA (p.Ile2315LysfsX12) results in a premature termination codon, predicted to cause a truncation of the encoded protein or absence of the protein due to nonsense mediated decay, which are commonly known mechanisms for disease. The variant allele was found at a frequency of 8e-06 in 249558 control chromosomes (gnomAD). c.6944_6947delTAAA has been reported in the literature in multiple individuals affected with breast and ovarian cancer (example: Frank_1998, Evans_2008, Rebbeck_2018). These data indicate that the variant is very likely to be associated with disease. Seven other ClinVar submitters including an expert panel (ENIGMA) cite the variant as pathogenic. Based on the evidence outlined above, the variant was classified as pathogenic.

Laboratory for Molecular Medicine, Mass General Brigham Personalized Medicine
Classification: Pathogenic for Hereditary breast ovarian cancer syndrome. Last evaluated: 2019-10-14. Review status: criteria provided, single submitter. Criteria: ACMG Guidelines, 2015. Collection method: clinical testing. Allele origin: germline. Not counted in ClinVar's aggregate classification.
Comment: The p.Ile2315LysfsX12 variant in BRCA2 has been reported in at least 15 families with breast and/or ovarian cancer (Frank 1998, Wong-Brown 2015, Evans 2008, Teer 2016, BIC database). It has also been identified in 2/113008 European chromosomes by gnomAD; however, this frequency is low enough to be consistent with the frequency of hereditary breast and ovarian cancer (HBOC) in the general population. This variant is predicted to cause a frameshift, which alters the protein’s amino acid sequence beginning at position 2315 and leads to a premature termination codon 12 amino acids downstream. This alteration is then predicted to lead to a truncated or absent protein. Loss of function of the BRCA2 gene is an established disease mechanism in autosomal dominant hereditary breast and ovarian cancer syndrome (HBOC). Additionally, this variant was classified as Pathogenic on Sept 8, 2016 by the ClinGen-approved ENIGMA expert panel (Variation ID: 91435). In summary, this variant meets criteria to be classified as pathogenic for autosomal dominant HBOC. ACMG/AMP Criteria applied: PVS1, PM2, PS4_Strong.

Consortium of Investigators of Modifiers of BRCA1/2 (CIMBA), c/o University of Cambridge
Classification: Pathogenic for Breast-ovarian cancer, familial, susceptibility to, 2. Last evaluated: 2015-10-02. Review status: criteria provided, single submitter. Criteria: CIMBA Mutation Classification guidelines May 2016. Collection method: clinical testing. Allele origin: germline. Not counted in ClinVar's aggregate classification.

Counsyl
Classification: Likely pathogenic for Breast-ovarian cancer, familial 2. Last evaluated: 2014-09-22. Review status: no assertion criteria provided. Collection method: literature only. Allele origin: unknown. Inheritance: Autosomal dominant inheritance. Not counted in ClinVar's aggregate classification.

Research Molecular Genetics Laboratory, Women's College Hospital, University of Toronto
Classification: Pathogenic for Hereditary breast ovarian cancer syndrome. Last evaluated: 2014-01-31. Review status: no assertion criteria provided. Collection method: research. Allele origin: germline. Affected: yes. Study: The Canadian Open Genetics Repository (COGR). Not counted in ClinVar's aggregate classification.

Sharing Clinical Reports Project (SCRP)
Classification: Pathogenic for Breast-ovarian cancer, familial 2. Last evaluated: 2012-02-29. Review status: no assertion criteria provided. Collection method: clinical testing. Allele origin: germline. Not counted in ClinVar's aggregate classification.

Breast Cancer Information Core (BIC) (BRCA2)
Classification: Pathogenic for Breast-ovarian cancer, familial 2. Last evaluated: 2002-05-29. Review status: no assertion criteria provided. Collection method: clinical testing. Allele origin: germline. Affected: yes. Observed: 11 variant alleles. Not counted in ClinVar's aggregate classification.

Literature cited by the submitters: PubMed 20104584 (cited by Labcorp Genetics (formerly Invitae), Labcorp and Variantyx, Inc.); PubMed 9667259 (cited by 8 submitters); PubMed 25682074 (cited by 6 submitters); PubMed 17636422 (cited by 5 submitters); PubMed 29446198 (cited by 4 submitters); PubMed 26295337 (cited by Quest Diagnostics Nichols Institute San Juan Capistrano); PubMed 28852190 (cited by Laboratory for Molecular Medicine, Mass General Brigham Personalized Medicine).